The following is an entry in ClinVar:

ClinVar aggregate classification (germline): Conflicting classifications of pathogenicity. Review status: criteria provided, conflicting classifications (1 of 4 stars). 3 submissions from 3 submitters: Uncertain significance (1); Likely benign (2). Last evaluated 2026-02-01.

Conditions:
Hypertrophic cardiomyopathy. Also called: HYPERTROPHIC MYOCARDIOPATHY. Identifiers: Orphanet 217569, MedGen C0007194, MeSH D002312, MONDO:0005045, HP:0001639.
Cardiomyopathy (CMYO). Also called: Cardiomyopathies. Identifiers: Orphanet 167848, MedGen C0878544, MONDO:0004994, HP:0001638. Inheritance: Various modes of inheritance.

Submissions (3):

Labcorp Genetics (formerly Invitae), Labcorp
Classification: Likely benign for Hypertrophic cardiomyopathy. Last evaluated: 2026-02-01. Review status: criteria provided, single submitter. Criteria: Invitae Variant Classification Sherloc (09022015). Collection method: clinical testing. Allele origin: germline.

Color Diagnostics, LLC DBA Color Health
Classification: Likely benign for Cardiomyopathy. Last evaluated: 2023-12-04. Review status: criteria provided, single submitter. Criteria: ACMG Guidelines, 2015. Collection method: clinical testing. Allele origin: germline.

All of Us Research Program, National Institutes of Health
Classification: Uncertain significance for Cardiomyopathy. Last evaluated: 2023-10-02. Review status: criteria provided, single submitter. Criteria: ACMG Guidelines, 2015. Collection method: clinical testing. Allele origin: germline. Inheritance: Autosomal dominant inheritance. Observed: 1 variant allele, 1 heterozygote.
Comment: This synonymous variant causes a nucleotide substitution but does not change the encoded amino acid at codon 1502 of the MYH7 protein. To our knowledge, functional studies have not been reported for this variant. This variant has not been reported in individuals affected with MYH7-related disorders in the literature. This variant has not been identified in the general population by the Genome Aggregation Database (gnomAD). The available evidence is insufficient to determine the role of this variant in disease conclusively. Therefore, this variant is classified as a Variant of Uncertain Significance.

This study involves interpretation of variants in research participants for the purpose of population health screening. Participant phenotype was not available at the time of variant classification. Additional details can be found in publication PMID: 35346344, PMCID: PMC8962531

NM_000257.4(MYH7):c.4506C>T (p.Asn1502=)

Genes: MHRT (myosin heavy chain associated RNA transcript; plus strand), MYH7 (myosin heavy chain 7; minus strand). Cytogenetic location: 14q11.2.
Variant type: single nucleotide variant.
Coding change: c.4506C>T on transcript NM_000257.4 (MANE Select); coding-DNA position 4506, C replaced by T.
Protein change: p.Asn1502=; no amino-acid change (asparagine 1502 retained).
Molecular consequence: synonymous variant.
Genome position (GRCh38, 1-based): chr14:23,417,166, G>A on the plus strand (C>T on the coding strand, the complement: MYH7 is on the minus strand). VCF-style: chr14-23417166-G-A. GRCh37 (hg19) VCF-style: chr14-23886375-G-A.
Other names: c.4506C>T, p.Asn1502= (NM_001407004.1).
Identifiers: ClinVar variation 3073533 (VCV003073533.3), dbSNP rs2502249759, ClinGen allele CA485617134.